The following is an entry in ClinVar:

NM_001378454.1(ALMS1):c.2964_2967del (p.Asp989fs)

Gene: ALMS1 (ALMS1 centrosome and basal body associated protein; plus strand). Cytogenetic location: 2p13.1.
Variant type: Microsatellite.
Coding change: c.2964_2967del on transcript NM_001378454.1 (MANE Select); coding-DNA positions 2964 to 2967, 4 bases deleted (TGAC; older notation c.2964_2967delTGAC).
Protein change: p.Asp989fs; shifts the reading frame from aspartic acid 989.
Molecular consequence: frameshift variant.
Genome position (GRCh38, 1-based): chr2:73,449,491-73,449,494, TGAC deleted; deleting any 4 consecutive bases within chr2:73,449,484-73,449,494 gives the same sequence; the c. name uses the placement nearest the transcript's 3' end. VCF-style (leftmost placement, unchanged base first): chr2-73449483-GGACT-G. GRCh37 (hg19) VCF-style: chr2-73676610-GGACT-G.
Other names: c.2967_2970del, p.Asp990fs (NM_015120.4); short protein forms D990fs, D989fs.
Identifiers: ClinVar variation 3720346 (VCV003720346.2).
Genomic context (GRCh38, chr2:73,449,483, plus strand): 5'-CAGCAAGAGTTGCCAGACAGTGATCTACCTAGAGAATCTCTGAAAATGTCTGCTATTCCT[GGACT>G]GACTGACCAGAAGACTGTCCCAACACCAACAGTACCTTCAGGTTCCTTCTCACATAGAGA-3'

ClinVar aggregate classification (germline): Pathogenic (1 of 4 stars; one submission).

Conditions:
Alstrom syndrome (ALMS). Identifiers: Orphanet 64, MedGen C0268425, MONDO:0008763, OMIM 203800.

Submission:

Labcorp Genetics (formerly Invitae), Labcorp
Classification: Pathogenic for Alstrom syndrome. Last evaluated: 2024-05-08. Review status: criteria provided, single submitter. Criteria: Invitae Variant Classification Sherloc (09022015). Collection method: clinical testing. Allele origin: germline.
Comment: This sequence change creates a premature translational stop signal (p.Asp990Argfs*38) in the ALMS1 gene. It is expected to result in an absent or disrupted protein product. Loss-of-function variants in ALMS1 are known to be pathogenic (PMID: 17594715). This variant is not present in population databases (gnomAD no frequency). This premature translational stop signal has been observed in individual(s) with Alstrom syndrome (PMID: 25846608). For these reasons, this variant has been classified as Pathogenic.

Literature cited by the submitters: PubMed 17594715; PubMed 25846608.